The following is an entry in ClinVar:

NM_018417.6(ADCY10):c.4232T>A (p.Ile1411Asn)

Gene: ADCY10 (adenylate cyclase 10; minus strand). Cytogenetic location: 1q24.2.
Variant type: single nucleotide variant.
Coding change: c.4232T>A on transcript NM_018417.6 (MANE Select); coding-DNA position 4232, T replaced by A.
Protein change: p.Ile1411Asn; replaces isoleucine 1411 with asparagine.
Molecular consequence: missense variant.
Genome position (GRCh38, 1-based): chr1:167,822,078, A>T on the plus strand (T>A on the coding strand, the complement: ADCY10 is on the minus strand). VCF-style: chr1-167822078-A-T. GRCh37 (hg19) VCF-style: chr1-167791316-A-T.
Other names: c.3773T>A, p.Ile1258Asn (NM_001167749.3); c.3956T>A, p.Ile1319Asn (NM_001297772.2); short protein forms I1258N, I1319N, I1411N.
Identifiers: ClinVar variation 960432 (VCV000960432.6), dbSNP rs375622466, ClinGen allele CA1227107.

ClinVar aggregate classification (germline): Uncertain significance (1 of 4 stars; one submission).

Allele frequency attached by ClinVar (database versions not stated): gnomAD exomes below 0.00001 and 0.00001; ExAC 0.00001; gnomAD 0.00005 and 0.00006; TOPMed 0.00005; ESP Exome Variant Server 0.00008.
gnomAD v4.1: 11 of 1,610,722 alleles (0.00068%); highest among the groups gnomAD compares: African/African-American, 0.015%; no homozygotes.

Submission:

Labcorp Genetics (formerly Invitae), Labcorp
Classification: Uncertain significance. Last evaluated: 2020-06-24. Review status: criteria provided, single submitter. Criteria: Invitae Variant Classification Sherloc (09022015). Collection method: clinical testing. Allele origin: germline.
Comment: In summary, the available evidence is currently insufficient to determine the role of this variant in disease. Therefore, it has been classified as a Variant of Uncertain Significance. Algorithms developed to predict the effect of missense changes on protein structure and function are either unavailable or do not agree on the potential impact of this missense change (SIFT: "Deleterious"; PolyPhen-2: "Possibly Damaging"; Align-GVGD: "Class C0"). This variant has not been reported in the literature in individuals with ADCY10-related conditions. This variant is present in population databases (rs375622466, ExAC 0.01%). This sequence change replaces isoleucine with asparagine at codon 1411 of the ADCY10 protein (p.Ile1411Asn). The isoleucine residue is highly conserved and there is a large physicochemical difference between isoleucine and asparagine.